The following is an entry in ClinVar:

NM_000465.4(BARD1):c.1904-6T>A

Gene: BARD1 (BRCA1 associated RING domain 1; minus strand). Cytogenetic location: 2q35.
Variant type: single nucleotide variant.
Coding change: c.1904-6T>A on transcript NM_000465.4 (MANE Select); 6 bases into the intron before coding-DNA position 1904, T replaced by A.
Molecular consequence: intron variant.
Genome position (GRCh38, 1-based): chr2:214,730,514, A>T on the plus strand (T>A on the coding strand, the complement: BARD1 is on the minus strand). VCF-style: chr2-214730514-A-T. GRCh37 (hg19) VCF-style: chr2-215595238-A-T.
Other names: c.494-6T>A (NM_001282548.2); c.365-6T>A (NM_001282549.2); c.1847-6T>A (NM_001282543.2); c.551-6T>A (NM_001282545.2).
Identifiers: ClinVar variation 3231779 (VCV003231779.2), dbSNP rs864622634, ClinGen allele CA2825001072.

ClinVar aggregate classification (germline): Uncertain significance (1 of 4 stars; one submission).

Conditions:
Hereditary cancer-predisposing syndrome. Also called: Neoplastic Syndromes, Hereditary; Tumor predisposition; Hereditary neoplastic syndrome; Hereditary Cancer Syndrome. Identifiers: Orphanet 140162, MedGen C0027672, MeSH D009386, MONDO:0015356.

Submission:

Ambry Genetics
Classification: Uncertain significance for Hereditary cancer-predisposing syndrome. Last evaluated: 2025-09-04. Review status: criteria provided, single submitter. Criteria: Ambry Variant Classification Scheme 2023. Collection method: clinical testing. Allele origin: germline.
Comment: The c.1904-6T>A intronic variant results from a T to A substitution 6 nucleotides upstream from coding exon 10 in the BARD1 gene. This nucleotide position is well conserved in available vertebrate species. In silico splice site analysis predicts that this alteration will weaken the native splice acceptor site and will result in the creation or strengthening of a novel splice acceptor site; however, direct evidence is insufficient at this time (Ambry internal data). Based on the available evidence, the clinical significance of this alteration remains unclear.